The following is an entry in ClinVar:

NM_021999.5(ITM2B):c.634A>G (p.Ile212Val)

Gene: ITM2B (integral membrane protein 2B; plus strand). Cytogenetic location: 13q14.2.
Variant type: single nucleotide variant.
Coding change: c.634A>G on transcript NM_021999.5 (MANE Select); coding-DNA position 634, A replaced by G.
Protein change: p.Ile212Val; replaces isoleucine 212 with valine.
Molecular consequence: missense variant.
Genome position (GRCh38, 1-based): chr13:48,258,866, A>G. VCF-style: chr13-48258866-A-G. GRCh37 (hg19) VCF-style: chr13-48833002-A-G.
Other names: short protein forms I212V.
Identifiers: ClinVar variation 2104459 (VCV002104459.4), dbSNP rs1951805641, ClinGen allele CA388251912.
Genomic context (GRCh38, chr13:48,258,866, plus strand): 5'-TATTTGCCTCAGTCCTATCTGATTCATGAGCACATGGTTATTACTGATCGCATTGAAAAC[A>G]TTGATCACCTGGGTTTCTTTATTTATCGACTGTGTCATGACAAGGAAACTTACAAACTGC-3'
Protein context (NP_068839.1, residues 202-222): HMVITDRIEN[Ile212Val]DHLGFFIYRL

ClinVar aggregate classification (germline): Uncertain significance (1 of 4 stars; one submission).

Allele frequency attached by ClinVar (database versions not stated): TOPMed below 0.00001; gnomAD exomes 0.00001.
gnomAD v4.1: 5 of 1,613,444 alleles (0.00031%); highest among the groups gnomAD compares: Non-Finnish European, 0.00042%; no homozygotes.

Submission:

Labcorp Genetics (formerly Invitae), Labcorp
Classification: Uncertain significance. Last evaluated: 2025-04-17. Review status: criteria provided, single submitter. Criteria: Invitae Variant Classification Sherloc (09022015). Collection method: clinical testing. Allele origin: germline.
Comment: This sequence change replaces isoleucine, which is neutral and non-polar, with valine, which is neutral and non-polar, at codon 212 of the ITM2B protein (p.Ile212Val). This variant is not present in population databases (gnomAD no frequency). This variant has not been reported in the literature in individuals affected with ITM2B-related conditions. ClinVar contains an entry for this variant (Variation ID: 2104459). Invitae Evidence Modeling of protein sequence and biophysical properties (such as structural, functional, and spatial information, amino acid conservation, physicochemical variation, residue mobility, and thermodynamic stability) indicates that this missense variant is not expected to disrupt ITM2B protein function with a negative predictive value of 80%. In summary, the available evidence is currently insufficient to determine the role of this variant in disease. Therefore, it has been classified as a Variant of Uncertain Significance.